The following is an entry in ClinVar:

NM_024589.3(ROGDI):c.665dup (p.Ala223fs)

Gene: ROGDI (rogdi atypical leucine zipper; minus strand). Cytogenetic location: 16p13.3.
Variant type: Duplication.
Coding change: c.665dup on transcript NM_024589.3 (MANE Select); coding-DNA position 665, one base duplicated (G; older notation c.665dupG).
Protein change: p.Ala223fs; shifts the reading frame from alanine 223.
Molecular consequence: frameshift variant. On other transcripts: non-coding transcript variant (1).
Genome position (GRCh38, 1-based): chr16:4,797,968, C duplicated on the plus strand (G on the coding strand, the reverse complement: ROGDI is on the minus strand); the first of 5 consecutive C bases (chr16:4,797,968-4,797,972); duplicating any one gives the same sequence. VCF-style (leftmost placement, unchanged base first): chr16-4797967-G-GC. GRCh37 (hg19) VCF-style: chr16-4847968-G-GC.
Other names: c.665dupG (NM_024589.2); short protein forms A223fs.
Identifiers: ClinVar variation 530797 (VCV000530797.8), dbSNP rs1039568775, ClinGen allele CA277135866.

ClinVar aggregate classification (germline): Pathogenic (1 of 4 stars; one submission).

Conditions:
Amelocerebrohypohidrotic syndrome (KTZS). Also called: Kohlschutter's syndrome; EPILEPSY AND YELLOW TEETH; EPILEPSY, DEMENTIA, AND AMELOGENESIS IMPERFECTA; KOHLSCHUTTER SYNDROME. Identifiers: Orphanet 1946, MedGen C0406740, MONDO:0009185, OMIM 226750.

Submission:

Labcorp Genetics (formerly Invitae), Labcorp
Classification: Pathogenic for Amelocerebrohypohidrotic syndrome. Last evaluated: 2021-11-09. Review status: criteria provided, single submitter. Criteria: Invitae Variant Classification Sherloc (09022015). Collection method: clinical testing. Allele origin: germline.
Comment: This sequence change creates a premature translational stop signal (p.Ala223Argfs*5) in the ROGDI gene. It is expected to result in an absent or disrupted protein product. Loss-of-function variants in ROGDI are known to be pathogenic (PMID: 22424600, 23086778). This variant is not present in population databases (gnomAD no frequency). This variant has not been reported in the literature in individuals affected with ROGDI-related conditions. ClinVar contains an entry for this variant (Variation ID: 530797). For these reasons, this variant has been classified as Pathogenic.

Literature cited by the submitters: PubMed 22424600; PubMed 23086778.